The following is an entry in ClinVar:

ClinVar aggregate classification (germline): Likely benign. Review status: reviewed by expert panel (3 of 4 stars). 2 submissions from 2 submitters: Likely benign (1). 1 of the submissions does not count toward it. Last evaluated 2024-09-10.

Conditions:
Hereditary thrombocytopenia and hematologic cancer predisposition syndrome. Identifiers: Orphanet 71290, MedGen CN281654, MONDO:0011071.
Hereditary thrombocytopenia and hematological cancer predisposition syndrome associated with RUNX1. Also called: Familial Platelet Disorder with Propensity to Acute Myelogenous Leukemia; Familial thrombocytopenia with propensity to acute myelogenous leukemia; PLATELET DISORDER, ASPIRIN-LIKE; RUNX1 Familial Platelet Disorder with Associated Myeloid Malignancies. Identifiers: Orphanet 71290, MedGen C1832388, MeSH C563324, MONDO:0100083, OMIM 601399.

Submissions (2):

ClinGen Myeloid Malignancy Variant Curation Expert Panel
Classification: Likely benign for Hereditary thrombocytopenia and hematologic cancer predisposition syndrome. Last evaluated: 2024-09-10. Review status: reviewed by expert panel. Criteria: ClinGen MyeloMalig ACMG Specifications v2. Collection method: curation. Allele origin: germline. Inheritance: Autosomal dominant inheritance.
Comment: NM_001754.5(RUNX1):c.1425C>T (p.Ala475=) is a synonymous variant which has a SpliceAI score ≤ 0.20 (0.0) (BP4). This variant has a SpliceAI score ≤ 0.20 (0.0) and evolutionary conservation algorithms predict the site as not being conserved (PhyloP score ≤ 2.0 (-1.62)) (BP7). In summary, this variant meets criteria to be classified as likely benign. ACMG/AMP criteria applied, as specified by the Myeloid Malignancy Variant Curation Expert Panel for RUNX1: BP4, BP7.

Labcorp Genetics (formerly Invitae), Labcorp
Classification: Likely benign for Hereditary thrombocytopenia and hematological cancer predisposition syndrome associated with RUNX1. Last evaluated: 2022-01-20. Review status: criteria provided, single submitter. Criteria: Invitae Variant Classification Sherloc (09022015). Collection method: clinical testing. Allele origin: germline. Not counted in ClinVar's aggregate classification.

NM_001754.5(RUNX1):c.1425C>T (p.Ala475=)

Gene: RUNX1 (RUNX family transcription factor 1; minus strand). Cytogenetic location: 21q22.12.
Variant type: single nucleotide variant.
Coding change: c.1425C>T on transcript NM_001754.5 (MANE Select); coding-DNA position 1425, C replaced by T.
Protein change: p.Ala475=; no amino-acid change (alanine 475 retained).
Molecular consequence: synonymous variant.
Genome position (GRCh38, 1-based): chr21:34,792,153, G>A on the plus strand (C>T on the coding strand, the complement: RUNX1 is on the minus strand). VCF-style: chr21-34792153-G-A. GRCh37 (hg19) VCF-style: chr21-36164450-G-A.
Other names: NM_001754.5(RUNX1):c.1425C>T; p.Ala475=; c.1344C>T, p.Ala448= (NM_001001890.3).
Identifiers: ClinVar variation 1922076 (VCV001922076.6), dbSNP rs1236866134, ClinGen allele CA512232107.
Genomic context (GRCh38, chr21:34,792,153, plus strand): 5'-AGGCGGCGGCCCGCGGGGCCCAGCCGGGCCAGGCCTGGCGCCTCAGTAGGGCCTCCACAC[G>A]GCCTCCTCCAGGCGCGCGGAGGGCGCCATGTTGGTGGGGGAGTTGCTGTGGCTGCCCTCG-3'
Protein context (NP_001745.2, residues 465-480): NMAPSARLEE[Ala475=]VWRPY